The following is an entry in ClinVar:

NM_001080414.4(CCDC88C):c.3618C>G (p.His1206Gln)

Gene: CCDC88C (coiled-coil and HOOK domain protein 88C; minus strand). Cytogenetic location: 14q32.11.
Variant type: single nucleotide variant.
Coding change: c.3618C>G on transcript NM_001080414.4 (MANE Select); coding-DNA position 3618, C replaced by G.
Protein change: p.His1206Gln; replaces histidine 1206 with glutamine.
Molecular consequence: missense variant. On other transcripts: non-coding transcript variant (2).
Genome position (GRCh38, 1-based): chr14:91,303,718, G>C on the plus strand (C>G on the coding strand, the complement: CCDC88C is on the minus strand). VCF-style: chr14-91303718-G-C. GRCh37 (hg19) VCF-style: chr14-91770062-G-C.
Other names: short protein forms H1206Q.
Identifiers: ClinVar variation 4882974 (VCV004882974.2).
Genomic context (GRCh38, chr14:91,303,718, plus strand): 5'-GACTCTACCCCTCCCCAGATCCCCTTCCTTCCCCAGGCCCTACCTCTCCCCGAGCTCCTT[G>C]TGCTCCAGCTCCAGATTCCGATGCAGTGTCTTTAGGCAGCTGTGCTGGCGGATGAGGGCC-3'
Protein context (NP_001073883.2, residues 1196-1216): KTLHRNLELE[His1206Gln]KELGERHGDM

ClinVar aggregate classification (germline): Uncertain significance (1 of 4 stars; one submission).

gnomAD v4.1: 10 of 1,596,744 alleles (0.00063%); highest among the groups gnomAD compares: African/African-American, 0.013%; no homozygotes.

Submission:

Dasa
Classification: Uncertain significance. Last evaluated: 2026-01-12. Review status: criteria provided, single submitter. Criteria: DASA Assertion Criteria. Collection method: clinical testing. Allele origin: germline.
Comment: NM_001080414.4(CCDC88C):c.3618C>G (p.His1206Gln) is a missense variant that results in the substitution of histidine with glutamine. This variant is rare in population databases. The currently available literature and clinical evidence are not sufficient to establish a definitive association between this variant and the reported condition. Therefore, this variant is classified as a variant of uncertain significance.